The following is an entry in ClinVar:

ClinVar aggregate classification (germline): Uncertain significance. Review status: criteria provided, multiple submitters, no conflicts (2 of 4 stars). 3 submissions from 3 submitters: Uncertain significance (3). Last evaluated 2024-12-04.

Conditions:
Glycogen storage disease, type II (IOPD). Also called: Pompe Disease; Glycogen storage disease type 2; Acid maltase deficiency disease; Aglucosidase alfa; Deficiency of alpha-glucosidase; Deficiency of lysosomal alpha-glucosidase. Identifiers: Orphanet 365, MedGen C0017921, MONDO:0009290, OMIM 232300.

Submissions (3):

Revvity Omics, Revvity
Classification: Uncertain significance. Last evaluated: 2024-12-04. Review status: criteria provided, single submitter. Criteria: ACMG Guidelines, 2015. Collection method: clinical testing. Allele origin: germline.

Labcorp Genetics (formerly Invitae), Labcorp
Classification: Uncertain significance for Glycogen storage disease, type II. Last evaluated: 2024-01-12. Review status: criteria provided, single submitter. Criteria: Invitae Variant Classification Sherloc (09022015). Collection method: clinical testing. Allele origin: germline.
Comment: This sequence change replaces valine, which is neutral and non-polar, with methionine, which is neutral and non-polar, at codon 544 of the GAA protein (p.Val544Met). Information on the frequency of this variant in the gnomAD database is not available, as this variant may be reported differently in the database. This variant has not been reported in the literature in individuals affected with GAA-related conditions. ClinVar contains an entry for this variant (Variation ID: 664232). Experimental studies and prediction algorithms are not available or were not evaluated, and the functional significance of this variant is currently unknown. In summary, the available evidence is currently insufficient to determine the role of this variant in disease. Therefore, it has been classified as a Variant of Uncertain Significance.

Fulgent Genetics
Classification: Uncertain significance for Glycogen storage disease, type II. Last evaluated: 2021-10-04. Review status: criteria provided, single submitter. Criteria: ACMG Guidelines, 2015. Collection method: clinical testing. Allele origin: unknown.

NM_000152.5(GAA):c.1629_1630delinsTA (p.Val544Met)

Gene: GAA (alpha glucosidase; plus strand). Cytogenetic location: 17q25.3.
Variant type: Indel.
Coding change: c.1629_1630delinsTA on transcript NM_000152.5 (MANE Select); coding-DNA positions 1629 to 1630, CG replaced by TA.
Protein change: p.Val544Met; replaces valine 544 with methionine.
Molecular consequence: missense variant.
Genome position (GRCh38, 1-based): chr17:80,111,018-80,111,019, CG replaced by TA. VCF-style: chr17-80111018-CG-TA. GRCh37 (hg19) VCF-style: chr17-78084817-CG-TA.
Other names: c.1629_1630delCGinsTA (LRG_673t1); c.1629_1630delinsTA, p.Val544Met (NM_001079803.3, NM_001079804.3); c.1629_1630delinsTA (NM_000152.3); short protein forms V544M.
Identifiers: ClinVar variation 664232 (VCV000664232.8), dbSNP rs1598582152, ClinGen allele CA915952253.
Genomic context (GRCh38, chr17:80,111,018, plus strand): 5'-CAACTTCATCAGGGGCTCTGAGGACGGCTGCCCCAACAATGAGCTGGAGAACCCACCCTA[CG>TA]TGCCTGGTCAGCTCGCCCCCCACCTACCCTGGGGACTTAATCAAATCAGAGACTCCCTTG-3'
Protein context (NP_000143.2, residues 534-554): PNNELENPPY[Val544Met]PGVVGGTLQA